The following is an entry in ClinVar:

ClinVar aggregate classification (germline): Likely benign (1 of 4 stars; one submission).

gnomAD v4.1: 15 of 1,210,773 alleles (0.0012%); highest among the groups gnomAD compares: Non-Finnish European, 0.00056%; no homozygotes.

Submission:

CeGaT Center for Human Genetics Tuebingen
Classification: Likely benign. Last evaluated: 2026-09-01. Review status: criteria provided, single submitter. Criteria: CeGaT Center For Human Genetics Tuebingen Variant Classification Criteria Version 2. Collection method: clinical testing. Allele origin: germline. Affected: yes. Observed: 2 variant alleles.
Comment: AIFM1: BS2

NM_004208.4(AIFM1):c.249+1313G>A

Genes: AIFM1 (apoptosis inducing factor mitochondria associated 1; minus strand), RAB33A (RAB33A, member RAS oncogene family; plus strand). Cytogenetic location: Xq26.1.
Variant type: single nucleotide variant.
Coding change: c.249+1313G>A on transcript NM_004208.4 (MANE Select); 1313 bases into the intron after coding-DNA position 249, G replaced by A.
Molecular consequence: intron variant.
Genome position (GRCh38, 1-based): chrX:130,155,148, C>T on the plus strand (G>A on the coding strand, the complement: AIFM1 is on the minus strand). VCF-style: chrX-130155148-C-T. GRCh37 (hg19) VCF-style: chrX-129289123-C-T.
Other names: c.237+8G>A (NM_145812.3); c.249+1313G>A (NM_001130847.4).
Identifiers: ClinVar variation 4874231 (VCV004874231.2).
Genomic context (GRCh38, chrX:130,155,148, plus strand): 5'-CAAGTTTTCATTAGTGCCATGGGCTCACCCACCCTACCCCAAAATATGTTTTAGTGTAAG[C>T]ATCTTACATAATAAACTCCTGCCCCAGTGACTGTTGCTCCTACAATTAAGAAGTACACTA-3'